The following is an entry in ClinVar:

NM_001008537.3(NEXMIF):c.2018G>T (p.Gly673Val)

Gene: NEXMIF (neurite extension and migration factor; minus strand). Cytogenetic location: Xq13.3.
Variant type: single nucleotide variant.
Coding change: c.2018G>T on transcript NM_001008537.3 (MANE Select); coding-DNA position 2018, G replaced by T.
Protein change: p.Gly673Val; replaces glycine 673 with valine.
Molecular consequence: missense variant.
Genome position (GRCh38, 1-based): chrX:74,742,539, C>A on the plus strand (G>T on the coding strand, the complement: NEXMIF is on the minus strand). VCF-style: chrX-74742539-C-A. GRCh37 (hg19) VCF-style: chrX-73962374-C-A.
Other names: short protein forms G673V.
Identifiers: ClinVar variation 2573448 (VCV002573448.2), dbSNP rs2519914610, ClinGen allele CA413669164.

ClinVar aggregate classification (germline): Uncertain significance. Review status: criteria provided, multiple submitters, no conflicts (2 of 4 stars). 2 submissions from 2 submitters: Uncertain significance (2). Last evaluated 2025-07-04.

Submissions (2):

Ambry Genetics
Classification: Uncertain significance. Last evaluated: 2025-07-04. Review status: criteria provided, single submitter. Criteria: Ambry Variant Classification Scheme 2023. Collection method: clinical testing. Allele origin: germline.

Women's Health and Genetics/Laboratory Corporation of America, LabCorp
Classification: Uncertain significance. Last evaluated: 2023-06-19. Review status: criteria provided, single submitter. Criteria: LabCorp Variant Classification Summary - May 2015. Collection method: clinical testing. Allele origin: germline.
Comment: Variant summary: NEXMIF c.2018G>T (p.Gly673Val) results in a non-conservative amino acid change located in a domain of unknown function DUF4683 (IPR032757) in the encoded protein sequence. Three of five in-silico tools predict a benign effect of the variant on protein function. The variant was absent in 176769 control chromosomes (gnomAD). The available data on variant occurrences in the general population are insufficient to allow any conclusion about variant significance. To our knowledge, no occurrence of c.2018G>T in individuals affected with X-Linked Intellectual Developmental Disorder 98 and no experimental evidence demonstrating its impact on protein function have been reported. No clinical diagnostic laboratories have submitted clinical-significance assessments for this variant to ClinVar after 2014. Based on the evidence outlined above, the variant was classified as uncertain significance.